The following is an entry in ClinVar:

ClinVar aggregate classification (germline): Benign (1 of 4 stars; one submission).

Allele frequency attached by ClinVar (database versions not stated): 1000 Genomes Project 0.05032; 1000 Genomes Project 30x 0.05153; gnomAD 0.06708 and 0.06859; TOPMed 0.06999.
gnomAD v4.1: 10,256 of 152,232 alleles (6.7%); highest among the groups gnomAD compares: Non-Finnish European, 8.2%; 365 homozygotes.

Submission:

GeneDx
Classification: Benign. Last evaluated: 2018-06-19. Review status: criteria provided, single submitter. Criteria: GeneDx Variant Classification (06012015). Collection method: clinical testing. Allele origin: germline. Affected: yes.
Comment: This variant is considered likely benign or benign based on one or more of the following criteria: it is a conservative change, it occurs at a poorly conserved position in the protein, it is predicted to be benign by multiple in silico algorithms, and/or has population frequency not consistent with disease.

NM_001244008.2(KIF1A):c.798+186C>T

Gene: KIF1A (kinesin family member 1A; minus strand). Cytogenetic location: 2q37.3.
Variant type: single nucleotide variant.
Coding change: c.798+186C>T on transcript NM_001244008.2 (MANE Select); 186 bases into the intron after coding-DNA position 798, C replaced by T.
Molecular consequence: intron variant.
Genome position (GRCh38, 1-based): chr2:240,783,553, G>A on the plus strand (C>T on the coding strand, the complement: KIF1A is on the minus strand). VCF-style: chr2-240783553-G-A. GRCh37 (hg19) VCF-style: chr2-241722970-G-A.
Other names: c.798+186C>T (NM_001379653.1, NM_001379650.1, NM_001379645.1 and 20 more transcripts).
Identifiers: ClinVar variation 672669 (VCV000672669.1), dbSNP rs34625166, ClinGen allele CA11104895.